The following is an entry in ClinVar:

NM_000368.5(TSC1):c.3329C>G (p.Thr1110Ser)

Gene: TSC1 (TSC complex subunit 1; minus strand). Cytogenetic location: 9q34.13.
Variant type: single nucleotide variant.
Coding change: c.3329C>G on transcript NM_000368.5 (MANE Select); coding-DNA position 3329, C replaced by G.
Protein change: p.Thr1110Ser; replaces threonine 1110 with serine.
Molecular consequence: missense variant.
Genome position (GRCh38, 1-based): chr9:132,896,401, G>C on the plus strand (C>G on the coding strand, the complement: TSC1 is on the minus strand). VCF-style: chr9-132896401-G-C. GRCh37 (hg19) VCF-style: chr9-135771788-G-C.
Other names: c.3326C>G, p.Thr1109Ser (NM_001162426.2); c.3176C>G, p.Thr1059Ser (NM_001162427.2); c.2966C>G, p.Thr989Ser (NM_001362177.2); short protein forms T1110S, T1109S, T989S, T1059S.
Identifiers: ClinVar variation 633447 (VCV000633447.7), dbSNP rs952996030, ClinGen allele CA200925363.

ClinVar aggregate classification (germline): Conflicting classifications of pathogenicity. Review status: criteria provided, conflicting classifications (1 of 4 stars). 3 submissions from 3 submitters: Uncertain significance (2); Likely benign (1). Last evaluated 2026-05-11.

Conditions:
Hereditary cancer-predisposing syndrome. Also called: Tumor predisposition; Hereditary Cancer Syndrome; Neoplastic Syndromes, Hereditary; Hereditary neoplastic syndrome. Identifiers: Orphanet 140162, MedGen C0027672, MeSH D009386, MONDO:0015356.
Tuberous sclerosis 1 (TSC1). Identifiers: Orphanet 805, MedGen C1854465, MONDO:0008612, OMIM 191100.

Submissions (3):

Ambry Genetics
Classification: Likely benign for Hereditary cancer-predisposing syndrome. Last evaluated: 2026-05-11. Review status: criteria provided, single submitter. Criteria: Ambry Variant Classification Scheme 2023. Collection method: clinical testing. Allele origin: germline.

Labcorp Genetics (formerly Invitae), Labcorp
Classification: Uncertain significance for Tuberous sclerosis 1. Last evaluated: 2024-04-10. Review status: criteria provided, single submitter. Criteria: Invitae Variant Classification Sherloc (09022015). Collection method: clinical testing. Allele origin: germline.
Comment: This sequence change replaces threonine, which is neutral and polar, with serine, which is neutral and polar, at codon 1110 of the TSC1 protein (p.Thr1110Ser). This variant is not present in population databases (gnomAD no frequency). This variant has not been reported in the literature in individuals affected with TSC1-related conditions. ClinVar contains an entry for this variant (Variation ID: 633447). Advanced modeling of protein sequence and biophysical properties (such as structural, functional, and spatial information, amino acid conservation, physicochemical variation, residue mobility, and thermodynamic stability) performed at Invitae indicates that this missense variant is not expected to disrupt TSC1 protein function with a negative predictive value of 95%. In summary, the available evidence is currently insufficient to determine the role of this variant in disease. Therefore, it has been classified as a Variant of Uncertain Significance.

Women's Health and Genetics/Laboratory Corporation of America, LabCorp
Classification: Uncertain significance. Last evaluated: 2017-10-23. Review status: criteria provided, single submitter. Criteria: LabCorp Variant Classification Summary - May 2015. Collection method: clinical testing. Allele origin: germline.
Comment: Variant summary: The TSC1 c.3329C>G (p.Thr1110Ser) variant involves the alteration of a non-conserved nucleotide. 4/4 in silico tools predict a benign outcome for this variant (SNPsandGO not captured due to low reliability index). This variant is absent in 246226 control chromosomes. The variant of interest has not, to our knowledge, been reported in affected individuals via publications and/or reputable databases/clinical diagnostic laboratories; nor evaluated for functional impact by in vivo/vitro studies. Because of the absence of clinical information and the lack of functional studies, the variant is classified as a variant of uncertain significance (VUS) until additional information becomes available.